The following is an entry in ClinVar:

ClinVar aggregate classification (germline): Likely benign. Review status: criteria provided, multiple submitters, no conflicts (2 of 4 stars). 2 submissions from 2 submitters: Likely benign (2). Last evaluated 2026-04-01.

gnomAD v4.1: 12,604 of 1,532,580 alleles (0.82%); highest among the groups gnomAD compares: Middle Eastern, 1.1%; 48 homozygotes.

Submissions (2):

CeGaT Center for Human Genetics Tuebingen
Classification: Likely benign. Last evaluated: 2026-04-01. Review status: criteria provided, single submitter. Criteria: CeGaT Center For Human Genetics Tuebingen Variant Classification Criteria Version 2. Collection method: clinical testing. Allele origin: germline. Affected: yes. Observed: 1 variant allele.
Comment: FAAP100: BP4, BS2

Blueprint Genetics
Classification: Likely benign. Last evaluated: 2024-11-28. Review status: criteria provided, single submitter. Criteria: ACMG Guidelines, 2015. Collection method: clinical testing. Allele origin: germline.

NM_025161.6(FAAP100):c.2635A>C (p.Ile879Leu)

Gene: FAAP100 (FA core complex associated protein 100; minus strand). Cytogenetic location: 17q25.3.
Variant type: single nucleotide variant.
Coding change: c.2635A>C on transcript NM_025161.6 (MANE Select); coding-DNA position 2635, A replaced by C.
Protein change: p.Ile879Leu; replaces isoleucine 879 with leucine.
Molecular consequence: missense variant. On other transcripts: non-coding transcript variant (1).
Genome position (GRCh38, 1-based): chr17:81,540,830, T>G on the plus strand (A>C on the coding strand, the complement: FAAP100 is on the minus strand). VCF-style: chr17-81540830-T-G. GRCh37 (hg19) VCF-style: chr17-79507856-T-G.
Other names: short protein forms I879L.
Identifiers: ClinVar variation 4871967 (VCV004871967.3).